The following is an entry in ClinVar:

NM_001905.4(CTPS1):c.222T>C (p.Tyr74=)

Gene: CTPS1 (CTP synthase 1; plus strand). Cytogenetic location: 1p34.2.
Variant type: single nucleotide variant.
Coding change: c.222T>C on transcript NM_001905.4 (MANE Select); coding-DNA position 222, T replaced by C.
Protein change: p.Tyr74=; no amino-acid change (tyrosine 74 retained).
Molecular consequence: synonymous variant. On other transcripts: non-coding transcript variant (1).
Genome position (GRCh38, 1-based): chr1:40,984,876, T>C. VCF-style: chr1-40984876-T-C. GRCh37 (hg19) VCF-style: chr1-41450548-T-C.
Identifiers: ClinVar variation 1133843 (VCV001133843.32), dbSNP rs201994529, ClinGen allele CA795187.
Genomic context (GRCh38, chr1:40,984,876, plus strand): 5'-TGCAGGTGAGGTTTTTGTGCTGGATGATGGTGGGGAAGTAGACCTTGACCTGGGTAACTA[T>C]GAGCGGTTCCTTGACATCCGCCTCACCAAGGACAATAATCTGACCACTGGAAAGATATAC-3'
Protein context (NP_001896.2, residues 64-84): GGEVDLDLGN[Tyr74=]ERFLDIRLTK

ClinVar aggregate classification (germline): Likely benign. Review status: criteria provided, multiple submitters, no conflicts (2 of 4 stars). 2 submissions from 2 submitters: Likely benign (2). Last evaluated 2022-09-26.

Conditions:
Combined immunodeficiency due to CTPS1 deficiency. Also called: Severe combined immunodeficiency due to CTPS1 deficiency; Immunodeficiency 24. Identifiers: Orphanet 420573, MedGen C4014617, MONDO:0014391, OMIM 615897.

Allele frequency attached by ClinVar (database versions not stated): gnomAD 0.00001; TOPMed 0.00001; ExAC 0.00002; gnomAD exomes 0.00002; 1000 Genomes Project 30x 0.00016; 1000 Genomes Project 0.00020.
gnomAD v4.1: 19 of 1,602,842 alleles (0.0012%); highest among the groups gnomAD compares: African/African-American, 0.0053%; no homozygotes.

Submissions (2):

Labcorp Genetics (formerly Invitae), Labcorp
Classification: Likely benign for Combined immunodeficiency due to CTPS1 deficiency. Last evaluated: 2022-09-26. Review status: criteria provided, single submitter. Criteria: Invitae Variant Classification Sherloc (09022015). Collection method: clinical testing. Allele origin: germline.

CeGaT Center for Human Genetics Tuebingen
Classification: Likely benign. Last evaluated: 2022-04-01. Review status: criteria provided, single submitter. Criteria: CeGaT Center For Human Genetics Tuebingen Variant Classification Criteria Version 2. Collection method: clinical testing. Allele origin: germline. Affected: yes. Observed: 1 variant allele.
Comment: CTPS1: BP4